The following is an entry in ClinVar:

ClinVar aggregate classification (germline): Conflicting classifications of pathogenicity. Review status: criteria provided, conflicting classifications (1 of 4 stars). 5 submissions from 5 submitters: Likely pathogenic (1); Uncertain significance (4). Last evaluated 2025-08-13.

Conditions:
Usher syndrome type 1 (USH1). Also called: RETINITIS PIGMENTOSA AND CONGENITAL DEAFNESS. Identifiers: Orphanet 231169, Orphanet 886, MedGen C1568247, MONDO:0010168, OMIM 276900.
Autosomal recessive nonsyndromic hearing loss 2. Also called: NEUROSENSORY NONSYNDROMIC RECESSIVE DEAFNESS 2; DEAFNESS, AUTOSOMAL RECESSIVE 2. Identifiers: Orphanet 90636, MedGen C1838701, MONDO:0010807, OMIM 600060.

Allele frequency attached by ClinVar (database versions not stated): TOPMed 0.00001; ExAC 0.00002; gnomAD exomes 0.00002; gnomAD 0.00003.
gnomAD v4.1: 12 of 1,612,082 alleles (0.00074%); highest among the groups gnomAD compares: Middle Eastern, 0.066%; no homozygotes.

Submissions (5):

Labcorp Genetics (formerly Invitae), Labcorp
Classification: Uncertain significance. Last evaluated: 2025-08-13. Review status: criteria provided, single submitter. Criteria: Invitae Variant Classification Sherloc (09022015). Collection method: clinical testing. Allele origin: germline.
Comment: This sequence change replaces arginine, which is basic and polar, with cysteine, which is neutral and slightly polar, at codon 895 of the MYO7A protein (p.Arg895Cys). This variant is present in population databases (rs781916427, gnomAD 0.003%). This missense change has been observed in individual(s) with MYO7A-related conditions (PMID: 32747562). ClinVar contains an entry for this variant (Variation ID: 1333215). Invitae Evidence Modeling of protein sequence and biophysical properties (such as structural, functional, and spatial information, amino acid conservation, physicochemical variation, residue mobility, and thermodynamic stability) has been performed for this missense variant. However, the output from this modeling did not meet the statistical confidence thresholds required to predict the impact of this variant on MYO7A protein function. In summary, the available evidence is currently insufficient to determine the role of this variant in disease. Therefore, it has been classified as a Variant of Uncertain Significance.

Women's Health and Genetics/Laboratory Corporation of America, LabCorp
Classification: Uncertain significance. Last evaluated: 2023-05-04. Review status: criteria provided, single submitter. Criteria: LabCorp Variant Classification Summary - May 2015. Collection method: clinical testing. Allele origin: germline.
Comment: Variant summary: MYO7A c.2683C>T (p.Arg895Cys) results in a non-conservative amino acid change in the encoded protein sequence. Five of five in-silico tools predict a damaging effect of the variant on protein function. The variant allele was found at a frequency of 1.6e-05 in 246366 control chromosomes (gnomAD). c.2683C>T has been reported in the literature in an individual affected with hearing loss (example: Rayyan_2020). These data indicate that the variant may be associated with disease. To our knowledge, no experimental evidence demonstrating an impact on protein function has been reported. The following publication have been ascertained in the context of this evaluation (PMID: 32747562). Three clinical diagnostic laboratories have submitted clinical-significance assessments for this variant to ClinVar after 2014 and classified the variant as VUS (n=2) and likely pathogenic (n=1). Based on the evidence outlined above, the variant was classified as VUS-possibly pathogenic.

3billion
Classification: Uncertain significance for Usher syndrome type 1. Last evaluated: 2022-01-03. Review status: criteria provided, single submitter. Criteria: ACMG Guidelines, 2015. Collection method: clinical testing. Allele origin: germline. Affected: yes. Observed: 1 homozygote.
Comment: Same nucleotide change resulting in same amino acid change has been previously reported to be associated with MYO7A related disorder (PMID:32747562, PS1_P). It is observed at an extremely low frequency in the gnomAD v2.1.1 dataset (total allele frequency: 0.000016, PM2_M). In silico tool predictions suggest damaging effect of the variant on gene or gene product (3CNET: 0.901, PP3_P). Therefore, this variant is classified as uncertain significance according to the recommendation of ACMG/AMP guideline.

Blueprint Genetics
Classification: Uncertain significance. Last evaluated: 2021-01-25. Review status: criteria provided, single submitter. Criteria: ACMG Guidelines, 2015. Collection method: clinical testing. Allele origin: germline.

King Laboratory, University of Washington
Classification: Likely pathogenic for Autosomal recessive nonsyndromic hearing loss 2. Last evaluated: 2020-08-01. Review status: criteria provided, single submitter. Criteria: Abu Rayyan A et al. (Proc Natl Acad Sci U S A 2020). Collection method: research. Allele origin: germline. Affected: yes.
Comment: MYO7A c.2683C>T, p.R895C is a non-conservative change in a highly conserved residue of MYO7A. The variant is homozygous in 3 Palestinian children with severe to profound pre-lingual hearing loss (Abu Rayyan 2020). The variant is absent from 1300 Palestinian controls and present in 4/246366 alleles on gnomAD, all heterozygotes.

Literature cited by the submitters: PubMed 32747562 (cited by 3 submitters).

NM_000260.4(MYO7A):c.2683C>T (p.Arg895Cys)

Gene: MYO7A (myosin VIIA; plus strand). Cytogenetic location: 11q13.5.
Variant type: single nucleotide variant.
Coding change: c.2683C>T on transcript NM_000260.4 (MANE Select); coding-DNA position 2683, C replaced by T.
Protein change: p.Arg895Cys; replaces arginine 895 with cysteine.
Molecular consequence: missense variant.
Genome position (GRCh38, 1-based): chr11:77,180,470, C>T. VCF-style: chr11-77180470-C-T. GRCh37 (hg19) VCF-style: chr11-76891516-C-T.
Other names: NM_000260.3:c.2683C>T; c.2683C>T, p.Arg895Cys (NM_001127180.2); c.2650C>T, p.Arg884Cys (NM_001369365.1); short protein forms R884C, R895C.
Identifiers: ClinVar variation 1333215 (VCV001333215.10), dbSNP rs781916427, ClinGen allele CA6197896.